The following is an entry in ClinVar:

NM_016333.4(SRRM2):c.242+1del

Gene: SRRM2 (serine/arginine repetitive matrix 2; plus strand). Cytogenetic location: 16p13.3.
Variant type: Deletion.
Coding change: c.242+1del on transcript NM_016333.4 (MANE Select); the canonical splice donor site of the intron after coding-DNA position 242, one base deleted (G; older notation c.242+1delG).
Molecular consequence: splice donor variant.
Genome position (GRCh38, 1-based): chr16:2,756,607, G deleted; the last of 4 consecutive G bases (chr16:2,756,604-2,756,607); deleting any one gives the same sequence. VCF-style (leftmost placement, unchanged base first): chr16-2756603-AG-A. GRCh37 (hg19) VCF-style: chr16-2806604-AG-A.
Other names: NM_016333.4:c.242+1del.
Identifiers: ClinVar variation 4819467 (VCV004819467.1).

ClinVar aggregate classification (germline): Uncertain significance (1 of 4 stars; one submission).

Conditions:
Intellectual developmental disorder, autosomal dominant 72 (MRD72). Identifiers: Orphanet 652487, MedGen C5830612, MONDO:0957397, OMIM 620439.

Submission:

Broad Center for Mendelian Genomics, Broad Institute of MIT and Harvard
Classification: Uncertain significance for Intellectual developmental disorder, autosomal dominant 72. Last evaluated: 2026-03-02. Review status: criteria provided, single submitter. Criteria: ACMG Guidelines, 2015. Collection method: research. Allele origin: germline. Inheritance: Autosomal dominant inheritance.
Comment: Trio exome analysis showed this variant to be de novo. The c.242+1del variant in SRRM2 has not been previously reported in the literature in individuals with neurodevelopmental disorders and was absent from large population studies. This variant is predicted to cause a frameshift, which alters the protein’s amino acid sequence beginning at position 80 and leads to a premature termination codon. This alteration is then predicted to lead to a truncated or absent protein. Heterozygous loss of function of the SRRM2 gene is an established disease mechanism in autosomal dominant intellectual developmental disorder-72. In summary, while there is some suspicion for a pathogenic role, the clinical significance of this variant is uncertain. ACMG/AMP Criteria applied: PVS1_moderate, PM2_supporting, PS2_supporting (Richards 2015).